The following is an entry in ClinVar:

NM_000240.4(MAOA):c.280A>G (p.Ser94Gly)

Gene: MAOA (monoamine oxidase A; plus strand). Cytogenetic location: Xp11.3.
Variant type: single nucleotide variant.
Coding change: c.280A>G on transcript NM_000240.4 (MANE Select); coding-DNA position 280, A replaced by G.
Protein change: p.Ser94Gly; replaces serine 94 with glycine.
Molecular consequence: missense variant. On other transcripts: 5 prime UTR variant (1).
Genome position (GRCh38, 1-based): chrX:43,693,402, A>G. VCF-style: chrX-43693402-A-G. GRCh37 (hg19) VCF-style: chrX-43552649-A-G.
Other names: c.-120A>G (NM_001270458.2); short protein forms S94G.
Identifiers: ClinVar variation 1309136 (VCV001309136.4), dbSNP rs2033551853, ClinGen allele CA413004702.
Genomic context (GRCh38, chrX:43,693,402, plus strand): 5'-CAAAACAGAATCTTACGCTTGTCTAAGGAGCTGGGCATAGAGACTTACAAAGTGAATGTC[A>G]GTGAGCGTCTCGTTCAATATGTCAAGGTAAGGCTGACTTTTCACCCAAGTGACTGATAGG-3'
Protein context (NP_000231.1, residues 84-104): LGIETYKVNV[Ser94Gly]ERLVQYVKGK

ClinVar aggregate classification (germline): Uncertain significance. Review status: criteria provided, multiple submitters, no conflicts (2 of 4 stars). 2 submissions from 2 submitters: Uncertain significance (2). Last evaluated 2022-02-26.

Conditions:
Inborn genetic diseases. Identifiers: MedGen C0950123, MeSH D030342.

Allele frequency attached by ClinVar (database versions not stated): TOPMed 0.00001.

Submissions (2):

Ambry Genetics
Classification: Uncertain significance for Inborn genetic diseases. Last evaluated: 2022-02-26. Review status: criteria provided, single submitter. Criteria: Ambry Variant Classification Scheme 2023. Collection method: clinical testing. Allele origin: germline.

GeneDx
Classification: Uncertain significance. Last evaluated: 2019-10-05. Review status: criteria provided, single submitter. Criteria: GeneDx Variant Classification Process June 2021. Collection method: clinical testing. Allele origin: germline. Affected: yes.
Comment: Not observed in large population cohorts (Lek et al., 2016); In silico analysis, which includes protein predictors and evolutionary conservation, supports that this variant does not alter protein structure/function; In silico analysis, which includes splice predictors and evolutionary conservation, suggests this variant may impact gene splicing. In the absence of RNA/functional studies, the actual effect of this sequence change is unknown; Has not been previously published as pathogenic or benign to our knowledge